The following is an entry in ClinVar:

NM_004984.4(KIF5A):c.2404G>A (p.Val802Ile)

Gene: KIF5A (kinesin family member 5A; plus strand). Cytogenetic location: 12q13.3.
Variant type: single nucleotide variant.
Coding change: c.2404G>A on transcript NM_004984.4 (MANE Select); coding-DNA position 2404, G replaced by A.
Protein change: p.Val802Ile; replaces valine 802 with isoleucine.
Molecular consequence: missense variant.
Genome position (GRCh38, 1-based): chr12:57,578,051, G>A. VCF-style: chr12-57578051-G-A. GRCh37 (hg19) VCF-style: chr12-57971834-G-A.
Other names: c.2137G>A, p.Val713Ile (NM_001354705.2); short protein forms V713I, V802I.
Identifiers: ClinVar variation 2379602 (VCV002379602.4), dbSNP rs1882480022, ClinGen allele CA385513012.

ClinVar aggregate classification (germline): Uncertain significance. Review status: criteria provided, multiple submitters, no conflicts (2 of 4 stars). 2 submissions from 2 submitters: Uncertain significance (2). Last evaluated 2024-09-04.

Conditions:
Spastic paraplegia. Identifiers: MedGen C0037772, HP:0001258.
Inborn genetic diseases. Identifiers: MedGen C0950123, MeSH D030342.

Allele frequency attached by ClinVar (database versions not stated): gnomAD exomes below 0.00001; TOPMed below 0.00001.
gnomAD v4.1: 3 of 1,614,144 alleles (0.00019%); highest among the groups gnomAD compares: South Asian, 0.0011%; no homozygotes.

Submissions (2):

Labcorp Genetics (formerly Invitae), Labcorp
Classification: Uncertain significance for Spastic paraplegia. Last evaluated: 2024-09-04. Review status: criteria provided, single submitter. Criteria: Invitae Variant Classification Sherloc (09022015). Collection method: clinical testing. Allele origin: germline.
Comment: This sequence change replaces valine, which is neutral and non-polar, with isoleucine, which is neutral and non-polar, at codon 802 of the KIF5A protein (p.Val802Ile). This variant is not present in population databases (gnomAD no frequency). This variant has not been reported in the literature in individuals affected with KIF5A-related conditions. ClinVar contains an entry for this variant (Variation ID: 2379602). Invitae Evidence Modeling of protein sequence and biophysical properties (such as structural, functional, and spatial information, amino acid conservation, physicochemical variation, residue mobility, and thermodynamic stability) indicates that this missense variant is not expected to disrupt KIF5A protein function with a negative predictive value of 95%. In summary, the available evidence is currently insufficient to determine the role of this variant in disease. Therefore, it has been classified as a Variant of Uncertain Significance.

Ambry Genetics
Classification: Uncertain significance for Inborn genetic diseases. Last evaluated: 2022-11-17. Review status: criteria provided, single submitter. Criteria: Ambry Variant Classification Scheme 2023. Collection method: clinical testing. Allele origin: germline.